The following is an entry in ClinVar:

NM_017763.6(RNF43):c.717C>T (p.Ala239=)

Gene: RNF43 (ring finger protein 43; minus strand). Cytogenetic location: 17q22.
Variant type: single nucleotide variant.
Coding change: c.717C>T on transcript NM_017763.6 (MANE Select); coding-DNA position 717, C replaced by T.
Protein change: p.Ala239=; no amino-acid change (alanine 239 retained).
Molecular consequence: synonymous variant.
Genome position (GRCh38, 1-based): chr17:58,360,915, G>A on the plus strand (C>T on the coding strand, the complement: RNF43 is on the minus strand). VCF-style: chr17-58360915-G-A. GRCh37 (hg19) VCF-style: chr17-56438276-G-A.
Other names: c.717C>T, p.Ala239= (NM_001305544.3); c.336C>T, p.Ala112= (NM_001305545.2).
Identifiers: ClinVar variation 3709065 (VCV003709065.4).

ClinVar aggregate classification (germline): Benign/Likely benign. Review status: criteria provided, multiple submitters, no conflicts (2 of 4 stars). 3 submissions from 3 submitters: Benign (1); Likely benign (2). Last evaluated 2026-06-30.

Conditions:
Sessile serrated polyposis cancer syndrome (SSPCS). Identifiers: Orphanet 157798, MedGen C4310714, MONDO:0014919, OMIM 617108.

gnomAD v4.1: 1 of 1,602,624 alleles (0.000062%); highest among the groups gnomAD compares: East Asian, 0.0023%; no homozygotes.

Submissions (3):

Myriad Genetics, Inc.
Classification: Benign for Sessile serrated polyposis cancer syndrome. Last evaluated: 2026-06-30. Review status: criteria provided, single submitter. Criteria: Myriad Autosomal Dominant, Autosomal Recessive and X-Linked Classification Criteria (2023). Collection method: clinical testing. Allele origin: unknown.
Comment: This variant is considered benign. This variant is a silent/synonymous amino acid change and it is not expected to impact splicing.

Ambry Genetics
Classification: Likely benign. Last evaluated: 2025-03-15. Review status: criteria provided, single submitter. Criteria: Ambry Variant Classification Scheme 2023. Collection method: clinical testing. Allele origin: germline.

Labcorp Genetics (formerly Invitae), Labcorp
Classification: Likely benign. Last evaluated: 2024-05-24. Review status: criteria provided, single submitter. Criteria: Invitae Variant Classification Sherloc (09022015). Collection method: clinical testing. Allele origin: germline.